The following is an entry in ClinVar:

NM_153240.5(NPHP3):c.3126-6T>G

Genes: NPHP3 (nephrocystin 3; minus strand), NPHP3-ACAD11 (NPHP3-ACAD11 readthrough (NMD candidate); minus strand). Cytogenetic location: 3q22.1.
Variant type: single nucleotide variant.
Coding change: c.3126-6T>G on transcript NM_153240.5 (MANE Select); 6 bases into the intron before coding-DNA position 3126, T replaced by G.
Molecular consequence: intron variant.
Genome position (GRCh38, 1-based): chr3:132,687,232, A>C on the plus strand (T>G on the coding strand, the complement: NPHP3 is on the minus strand). VCF-style: chr3-132687232-A-C. GRCh37 (hg19) VCF-style: chr3-132406076-A-C.
Identifiers: ClinVar variation 498131 (VCV000498131.14), dbSNP rs1405952605, ClinGen allele CA658796379.

ClinVar aggregate classification (germline): Uncertain significance. Review status: criteria provided, multiple submitters, no conflicts (2 of 4 stars). 2 submissions from 2 submitters: Uncertain significance (2). Last evaluated 2025-05-05.

Conditions:
Nephronophthisis. Also called: Juvenile Nephronophthisis. Identifiers: Orphanet 655, MedGen C0687120, MONDO:0019005, HP:0000090.

Submissions (2):

Labcorp Genetics (formerly Invitae), Labcorp
Classification: Uncertain significance for Nephronophthisis. Last evaluated: 2025-05-05. Review status: criteria provided, single submitter. Criteria: Invitae Variant Classification Sherloc (09022015). Collection method: clinical testing. Allele origin: germline.
Comment: This sequence change falls in intron 21 of the NPHP3 gene. It does not directly change the encoded amino acid sequence of the NPHP3 protein. This variant is not present in population databases (gnomAD no frequency). This variant has been observed in individual(s) with clinical features of NPHP3-related conditions (internal data). ClinVar contains an entry for this variant (Variation ID: 498131). Algorithms developed to predict the effect of sequence changes on RNA splicing suggest that this variant may disrupt the consensus splice site. In summary, the available evidence is currently insufficient to determine the role of this variant in disease. Therefore, it has been classified as a Variant of Uncertain Significance.

Eurofins Ntd Llc (ga)
Classification: Uncertain significance. Last evaluated: 2016-10-21. Review status: criteria provided, single submitter. Criteria: EGL Classification Definitions 2015. Collection method: clinical testing. Allele origin: germline. Observed: 1 variant allele, 1 heterozygote.